The following is an entry in ClinVar:

ClinVar aggregate classification (germline): Conflicting classifications of pathogenicity. Review status: criteria provided, conflicting classifications (1 of 4 stars). 4 submissions from 4 submitters: Uncertain significance (1); Likely benign (2). 1 of the submissions does not count toward it. Last evaluated 2026-01-19.

Conditions:
Zellweger spectrum disorders (ZS). Also called: Zellweger Spectrum Disorder; Zellweger Spectrum; Zellweger syndrome; Zellweger Spectrum Disorder (ZSD). Identifiers: Orphanet 912, MedGen C0043459, MONDO:0019609.
PEX1-related disorder. Also called: PEX1-related condition.

Allele frequency attached by ClinVar (database versions not stated): ExAC 0.00002; TOPMed 0.00002; ESP Exome Variant Server 0.00008; 1000 Genomes Project 30x 0.00016; 1000 Genomes Project 0.00020.
gnomAD v4.1: 18 of 1,610,416 alleles (0.0011%); highest among the groups gnomAD compares: South Asian, 0.0055%; no homozygotes.

Submissions (4):

Labcorp Genetics (formerly Invitae), Labcorp
Classification: Likely benign for Zellweger spectrum disorders. Last evaluated: 2026-01-19. Review status: criteria provided, single submitter. Criteria: Invitae Variant Classification Sherloc (09022015). Collection method: clinical testing. Allele origin: germline.

Blueprint Genetics
Classification: Likely benign. Last evaluated: 2023-10-05. Review status: criteria provided, single submitter. Criteria: ACMG Guidelines, 2015. Collection method: clinical testing. Allele origin: germline.

Eurofins Ntd Llc (ga)
Classification: Uncertain significance. Last evaluated: 2017-11-14. Review status: criteria provided, single submitter. Criteria: EGL Classification Definitions 2015. Collection method: clinical testing. Allele origin: germline. Observed: 2 variant alleles, 2 heterozygotes.

PreventionGenetics, part of Exact Sciences
Classification: Likely benign for PEX1-related condition. Last evaluated: 2023-11-30. Review status: no assertion criteria provided. Collection method: clinical testing. Allele origin: germline. Not counted in ClinVar's aggregate classification.
Comment: This variant is classified as likely benign based on ACMG/AMP sequence variant interpretation guidelines (Richards et al. 2015 PMID: 25741868, with internal and published modifications).

NM_000466.3(PEX1):c.453G>A (p.Thr151=)

Gene: PEX1 (peroxisomal biogenesis factor 1; minus strand). Cytogenetic location: 7q21.2.
Variant type: single nucleotide variant.
Coding change: c.453G>A on transcript NM_000466.3 (MANE Select); coding-DNA position 453, G replaced by A.
Protein change: p.Thr151=; no amino-acid change (threonine 151 retained).
Molecular consequence: synonymous variant. On other transcripts: 5 prime UTR variant (1).
Genome position (GRCh38, 1-based): chr7:92,518,160, C>T on the plus strand (G>A on the coding strand, the complement: PEX1 is on the minus strand). VCF-style: chr7-92518160-C-T. GRCh37 (hg19) VCF-style: chr7-92147474-C-T.
Other names: c.453G>A, p.Thr151= (NM_001282677.2); c.-172G>A (NM_001282678.2).
Identifiers: ClinVar variation 288024 (VCV000288024.18), dbSNP rs368714078, ClinGen allele CA4341606.
Genomic context (GRCh38, chr7:92,518,160, plus strand): 5'-ATAGTGTAGAATATGACAGCAAATATTACAATAGCACCTACCAATTTGGATAAATATGTA[C>T]GTTTGTTGATCAACCCAAACAGGAAAAATGGCTTTTGGAAAAACTATTCGAATTTGATCT-3'
Protein context (NP_000457.1, residues 141-161): AIFPVWVDQQ[Thr151=]YIFIQIVALI